The following is an entry in ClinVar:

ClinVar aggregate classification (germline): Uncertain significance (1 of 4 stars; one submission).

Conditions:
Hereditary cancer-predisposing syndrome. Also called: Tumor predisposition; Neoplastic Syndromes, Hereditary; Hereditary neoplastic syndrome; Hereditary Cancer Syndrome. Identifiers: Orphanet 140162, MedGen C0027672, MeSH D009386, MONDO:0015356.

Submission:

Ambry Genetics
Classification: Uncertain significance for Hereditary cancer-predisposing syndrome. Last evaluated: 2025-08-27. Review status: criteria provided, single submitter. Criteria: Ambry Variant Classification Scheme 2023. Collection method: clinical testing. Allele origin: germline.
Comment: The p.P411A variant (also known as c.1231C>G), located in coding exon 13 of the MUTYH gene, results from a C to G substitution at nucleotide position 1231. The proline at codon 411 is replaced by alanine, an amino acid with highly similar properties. This amino acid position is conserved. In addition, this alteration is predicted to be tolerated by in silico analysis. Based on the available evidence, the clinical significance of this variant remains unclear.

NM_001048174.2(MUTYH):c.1147C>G (p.Pro383Ala)

Gene: MUTYH (mutY DNA glycosylase; minus strand). Cytogenetic location: 1p34.1.
Variant type: single nucleotide variant.
Coding change: c.1147C>G on transcript NM_001048174.2 (MANE Select); coding-DNA position 1147, C replaced by G.
Protein change: p.Pro383Ala; replaces proline 383 with alanine.
Molecular consequence: missense variant. On other transcripts: non-coding transcript variant (7).
Genome position (GRCh38, 1-based): chr1:45,331,512, G>C on the plus strand (C>G on the coding strand, the complement: MUTYH is on the minus strand). VCF-style: chr1-45331512-G-C. GRCh37 (hg19) VCF-style: chr1-45797184-G-C.
Other names: c.871C>G, p.Pro291Ala (NM_001293192.2, NM_001293196.2, NM_001407091.1); c.1147C>G, p.Pro383Ala (NM_001293195.2, NM_001407070.1, NM_001407072.1 and 6 more transcripts); c.802C>G, p.Pro268Ala (NM_001350650.2, NM_001350651.2, NM_001407082.1); c.1180C>G, p.Pro394Ala (NM_001407069.1, NM_001407077.1, NM_001293191.2); c.1150C>G, p.Pro384Ala (NM_001407071.1, NM_001407078.1, NM_001048172.2 and 1 more transcripts); c.1063C>G, p.Pro355Ala (NM_001407075.1); c.1108C>G, p.Pro370Ala (NM_001407079.1); c.1231C>G, p.Pro411Ala (NM_001128425.2); and 5 more; short protein forms P369A, P370A, P408A, P411A, P268A, P291A, P384A, P390A.
Identifiers: ClinVar variation 4113108 (VCV004113108.1).